The following is an entry in ClinVar:

ClinVar aggregate classification (germline): Likely benign (1 of 4 stars; one submission).

Allele frequency attached by ClinVar (database versions not stated): ESP Exome Variant Server 0.00015; gnomAD exomes 0.00016; TOPMed 0.00018; ExAC 0.00021; gnomAD 0.00024.
gnomAD v4.1: 273 of 1,613,594 alleles (0.017%); highest among the groups gnomAD compares: Non-Finnish European, 0.022%; no homozygotes.

Submission:

CeGaT Center for Human Genetics Tuebingen
Classification: Likely benign. Last evaluated: 2026-05-01. Review status: criteria provided, single submitter. Criteria: CeGaT Center For Human Genetics Tuebingen Variant Classification Criteria Version 2. Collection method: clinical testing. Allele origin: germline. Affected: yes. Observed: 6 variant alleles.
Comment: CHD1: PP2, BS2

NM_001270.4(CHD1):c.895G>A (p.Ala299Thr)

Gene: CHD1 (chromodomain helicase DNA binding protein 1; minus strand). Cytogenetic location: 5q15.
Variant type: single nucleotide variant.
Coding change: c.895G>A on transcript NM_001270.4 (MANE Select); coding-DNA position 895, G replaced by A.
Protein change: p.Ala299Thr; replaces alanine 299 with threonine.
Molecular consequence: missense variant. On other transcripts: non-coding transcript variant (2).
Genome position (GRCh38, 1-based): chr5:98,899,670, C>T on the plus strand (G>A on the coding strand, the complement: CHD1 is on the minus strand). VCF-style: chr5-98899670-C-T. GRCh37 (hg19) VCF-style: chr5-98235374-C-T.
Other names: c.895G>A, p.Ala299Thr (NM_001364113.3, NM_001376194.2); short protein forms A299T.
Identifiers: ClinVar variation 2655617 (VCV002655617.24), dbSNP rs199813900, ClinGen allele CA3356459.